The following is an entry in ClinVar:

NM_005188.4(CBL):c.747+79A>G

Gene: CBL (Cbl proto-oncogene; plus strand). Cytogenetic location: 11q23.3.
Variant type: single nucleotide variant.
Coding change: c.747+79A>G on transcript NM_005188.4 (MANE Select); 79 bases into the intron after coding-DNA position 747, A replaced by G.
Molecular consequence: intron variant.
Genome position (GRCh38, 1-based): chr11:119,274,103, A>G. VCF-style: chr11-119274103-A-G. GRCh37 (hg19) VCF-style: chr11-119144813-A-G.
Identifiers: ClinVar variation 561424 (VCV000561424.2), dbSNP rs112763616, ClinGen allele CA229659923.

ClinVar aggregate classification (germline): Benign. Review status: criteria provided, multiple submitters, no conflicts (2 of 4 stars). 2 submissions from 2 submitters: Benign (2). Last evaluated 2018-06-14.

Allele frequency attached by ClinVar (database versions not stated): 1000 Genomes Project 30x 0.00921; 1000 Genomes Project 0.00998; TOPMed 0.01296; gnomAD 0.01709 and 0.01739; gnomAD exomes 0.02076.
gnomAD v4.1: 22,118 of 1,096,164 alleles (2%); highest among the groups gnomAD compares: Non-Finnish European, 2.3%; 309 homozygotes.

Submissions (2):

GeneDx
Classification: Benign. Last evaluated: 2018-06-14. Review status: criteria provided, single submitter. Criteria: GeneDx Variant Classification (06012015). Collection method: clinical testing. Allele origin: germline. Affected: yes.
Comment: This variant is considered likely benign or benign based on one or more of the following criteria: it is a conservative change, it occurs at a poorly conserved position in the protein, it is predicted to be benign by multiple in silico algorithms, and/or has population frequency not consistent with disease.

Breakthrough Genomics
Classification: Benign. Review status: criteria provided, single submitter. Criteria: ACMG Guidelines, 2015. Collection method: not provided. Allele origin: germline. Inheritance: Autosomal dominant inheritance. Affected: yes.